The following is an entry in ClinVar:

ClinVar aggregate classification (germline): Uncertain significance (1 of 4 stars; one submission).

Allele frequency attached by ClinVar (database versions not stated): gnomAD 0.00003 and 0.00004; TOPMed 0.00003.

Submission:

Labcorp Genetics (formerly Invitae), Labcorp
Classification: Uncertain significance. Last evaluated: 2025-07-07. Review status: criteria provided, single submitter. Criteria: Invitae Variant Classification Sherloc (09022015). Collection method: clinical testing. Allele origin: germline.
Comment: This sequence change replaces arginine, which is basic and polar, with cysteine, which is neutral and slightly polar, at codon 171 of the MOCS3 protein (p.Arg171Cys). This variant is present in population databases (rs768238794, gnomAD 0.003%). This variant has not been reported in the literature in individuals affected with MOCS3-related conditions. ClinVar contains an entry for this variant (Variation ID: 1387639). An algorithm developed to predict the effect of missense changes on protein structure and function (PolyPhen-2) suggests that this variant is likely to be tolerated. In summary, the available evidence is currently insufficient to determine the role of this variant in disease. Therefore, it has been classified as a Variant of Uncertain Significance.

NM_014484.5(MOCS3):c.511C>T (p.Arg171Cys)

Gene: MOCS3 (molybdenum cofactor synthesis 3; plus strand). Cytogenetic location: 20q13.13.
Variant type: single nucleotide variant.
Coding change: c.511C>T on transcript NM_014484.5 (MANE Select); coding-DNA position 511, C replaced by T.
Protein change: p.Arg171Cys; replaces arginine 171 with cysteine.
Molecular consequence: missense variant.
Genome position (GRCh38, 1-based): chr20:50,959,353, C>T. VCF-style: chr20-50959353-C-T. GRCh37 (hg19) VCF-style: chr20-49575890-C-T.
Other names: short protein forms R171C.
Identifiers: ClinVar variation 1387639 (VCV001387639.8), dbSNP rs768238794, ClinGen allele CA9909424.